The following is an entry in ClinVar:

ClinVar aggregate classification (germline): Uncertain significance (1 of 4 stars; one submission).

Conditions:
Bardet-Biedl syndrome (BBS). Identifiers: Orphanet 110, MedGen C0752166, MONDO:0015229.

Allele frequency attached by ClinVar (database versions not stated): TOPMed below 0.00001; gnomAD 0.00001; gnomAD exomes 0.00001.

Submission:

Labcorp Genetics (formerly Invitae), Labcorp
Classification: Uncertain significance for Bardet-Biedl syndrome. Last evaluated: 2025-05-29. Review status: criteria provided, single submitter. Criteria: Invitae Variant Classification Sherloc (09022015). Collection method: clinical testing. Allele origin: germline.
Comment: This sequence change replaces methionine, which is neutral and non-polar, with threonine, which is neutral and polar, at codon 155 of the BBS1 protein (p.Met155Thr). This variant is present in population databases (no rsID available, gnomAD 0.007%). This variant has not been reported in the literature in individuals affected with BBS1-related conditions. ClinVar contains an entry for this variant (Variation ID: 1441778). Invitae Evidence Modeling of protein sequence and biophysical properties (such as structural, functional, and spatial information, amino acid conservation, physicochemical variation, residue mobility, and thermodynamic stability) has been performed for this missense variant. However, the output from this modeling did not meet the statistical confidence thresholds required to predict the impact of this variant on BBS1 protein function. In summary, the available evidence is currently insufficient to determine the role of this variant in disease. Therefore, it has been classified as a Variant of Uncertain Significance.

NM_024649.5(BBS1):c.464T>C (p.Met155Thr)

Gene: BBS1 (Bardet-Biedl syndrome 1; plus strand). Cytogenetic location: 11q13.2.
Variant type: single nucleotide variant.
Coding change: c.464T>C on transcript NM_024649.5 (MANE Select); coding-DNA position 464, T replaced by C.
Protein change: p.Met155Thr; replaces methionine 155 with threonine.
Molecular consequence: missense variant.
Genome position (GRCh38, 1-based): chr11:66,515,571, T>C. VCF-style: chr11-66515571-T-C. GRCh37 (hg19) VCF-style: chr11-66283042-T-C.
Other names: short protein forms M155T.
Identifiers: ClinVar variation 1441778 (VCV001441778.6), dbSNP rs879524751, ClinGen allele CA224073690.